The following is an entry in ClinVar:

NM_001134407.3(GRIN2A):c.3356C>T (p.Thr1119Ile)

Gene: GRIN2A (glutamate ionotropic receptor NMDA type subunit 2A; minus strand). Cytogenetic location: 16p13.2.
Variant type: single nucleotide variant.
Coding change: c.3356C>T on transcript NM_001134407.3 (MANE Select); coding-DNA position 3356, C replaced by T.
Protein change: p.Thr1119Ile; replaces threonine 1119 with isoleucine.
Molecular consequence: missense variant.
Genome position (GRCh38, 1-based): chr16:9,764,188, G>A on the plus strand (C>T on the coding strand, the complement: GRIN2A is on the minus strand). VCF-style: chr16-9764188-G-A. GRCh37 (hg19) VCF-style: chr16-9858045-G-A.
Other names: c.3356C>T, p.Thr1119Ile (NM_000833.5, NM_001134408.2); short protein forms T1119I.
Identifiers: ClinVar variation 4762653 (VCV004762653.1).

ClinVar aggregate classification (germline): Uncertain significance (1 of 4 stars; one submission).

Conditions:
Landau-Kleffner syndrome (FESD). Also called: EPILEPSY, FOCAL, WITH SPEECH DISORDER AND WITH OR WITHOUT MENTAL RETARDATION; APHASIA, ACQUIRED, WITH EPILEPSY. Identifiers: Orphanet 1945, Orphanet 725, Orphanet 98818, MedGen C0282512, MONDO:0009509, OMIM 245570.

gnomAD v4.1: 1 of 1,613,688 alleles (0.000062%); highest among the groups gnomAD compares: Non-Finnish European, 0.000085%; no homozygotes.

Submission:

Labcorp Genetics (formerly Invitae), Labcorp
Classification: Uncertain significance for Landau-Kleffner syndrome. Last evaluated: 2025-06-25. Review status: criteria provided, single submitter. Criteria: Invitae Variant Classification Sherloc (09022015). Collection method: clinical testing. Allele origin: germline.
Comment: This sequence change replaces threonine, which is neutral and polar, with isoleucine, which is neutral and non-polar, at codon 1119 of the GRIN2A protein (p.Thr1119Ile). This variant is not present in population databases (gnomAD no frequency). This variant has not been reported in the literature in individuals affected with GRIN2A-related conditions. Invitae Evidence Modeling of protein sequence and biophysical properties (such as structural, functional, and spatial information, amino acid conservation, physicochemical variation, residue mobility, and thermodynamic stability) indicates that this missense variant is not expected to disrupt GRIN2A protein function with a negative predictive value of 95%. In summary, the available evidence is currently insufficient to determine the role of this variant in disease. Therefore, it has been classified as a Variant of Uncertain Significance.